The following is an entry in ClinVar:

NM_032119.4(ADGRV1):c.7006C>T (p.Arg2336Ter)

Gene: ADGRV1 (adhesion G protein-coupled receptor V1; plus strand). Cytogenetic location: 5q14.3.
Variant type: single nucleotide variant.
Coding change: c.7006C>T on transcript NM_032119.4 (MANE Select); coding-DNA position 7006, C replaced by T.
Protein change: p.Arg2336Ter; replaces arginine 2336 with a stop codon.
Molecular consequence: nonsense. On other transcripts: non-coding transcript variant (1).
Genome position (GRCh38, 1-based): chr5:90,692,659, C>T. VCF-style: chr5-90692659-C-T. GRCh37 (hg19) VCF-style: chr5-89988476-C-T.
Other names: short protein forms R2336*.
Identifiers: ClinVar variation 143160 (VCV000143160.13), dbSNP rs527236133, ClinGen allele CA270126.

ClinVar aggregate classification (germline): Pathogenic. Review status: criteria provided, multiple submitters, no conflicts (2 of 4 stars). 4 submissions from 4 submitters: Pathogenic (3). 1 of the submissions does not count toward it. Last evaluated 2024-12-03.

Conditions:
Rare genetic deafness. Identifiers: Orphanet 96210, MedGen C5680250.
Usher syndrome type 2C. Also called: USHER SYNDROME, TYPE IIC; Usher syndrome, type 2B. Identifiers: Orphanet 231178, Orphanet 886, MedGen C2931213, MONDO:0011558, OMIM 605472.

Allele frequency attached by ClinVar (database versions not stated): gnomAD exomes below 0.00001; TOPMed below 0.00001.
gnomAD v4.1: 5 of 1,611,140 alleles (0.00031%); highest among the groups gnomAD compares: South Asian, 0.0011%; no homozygotes.

Submissions (4):

Labcorp Genetics (formerly Invitae), Labcorp
Classification: Pathogenic. Last evaluated: 2024-12-03. Review status: criteria provided, single submitter. Criteria: Invitae Variant Classification Sherloc (09022015). Collection method: clinical testing. Allele origin: germline.
Comment: This sequence change creates a premature translational stop signal (p.Arg2336*) in the ADGRV1 gene. It is expected to result in an absent or disrupted protein product. Loss-of-function variants in ADGRV1 are known to be pathogenic (PMID: 19357117, 22135276, 22147658, 26226137, 30718709, 31047384, 32467589). The frequency data for this variant in the population databases is considered unreliable, as metrics indicate poor data quality at this position in the gnomAD database. This premature translational stop signal has been observed in individual(s) with Usher syndrome (PMID: 26338283). ClinVar contains an entry for this variant (Variation ID: 143160). Algorithms developed to predict the effect of sequence changes on RNA splicing suggest that this variant may disrupt the consensus splice site. For these reasons, this variant has been classified as Pathogenic.

Laboratory for Molecular Medicine, Mass General Brigham Personalized Medicine
Classification: Pathogenic for Rare genetic deafness. Last evaluated: 2016-11-23. Review status: criteria provided, single submitter. Criteria: LMM Criteria. Collection method: clinical testing. Allele origin: germline. Inheritance: Autosomal recessive inheritance. Observed: 1 variant allele.
Comment: This variant has not been identified in large pop ulation studies. This nonsense variant leads to a premature termination codon at position 2336, which is predicted to lead to a truncated or absent protein. Los s of GPR98 function is an established disease mechanism in autosomal recessive U sher syndrome. In summary, this variant meets criteria to be classified as patho genic for autosomal recessive Usher syndrome based upon the predicted impact to the protein.

Neuberg Centre For Genomic Medicine, NCGM
Classification: Pathogenic for Usher syndrome type 2C. Review status: criteria provided, single submitter. Criteria: ACMG Guidelines, 2015. Collection method: clinical testing. Allele origin: germline. Affected: yes.
Comment: This variant is predicted to cause loss of normal protein function through protein truncation. The p.R2336* variant is a loss of function variant in the gene ADGRV1, which is intolerant of Loss of Function variants. The amino acid change p.Arg2336Ter in ADGRV1 is predicted as conserved by GERP++ across 100 vertebrates. For these reasons, this variant has been classified as Pathogenic.

Department of Ophthalmology and Visual Sciences Kyoto University
Classification: Likely pathogenic for Usher syndrome, type 2C. Review status: no assertion criteria provided. Collection method: not provided. Allele origin: unknown. Not counted in ClinVar's aggregate classification.
ClinVar note: Converted during submission from probable-pathogenic to Likely pathogenic.

Literature cited by the submitters: PubMed 19357117 (cited by Labcorp Genetics (formerly Invitae), Labcorp); PubMed 22135276 (cited by Labcorp Genetics (formerly Invitae), Labcorp); PubMed 22147658 (cited by Labcorp Genetics (formerly Invitae), Labcorp); PubMed 26226137 (cited by Labcorp Genetics (formerly Invitae), Labcorp); PubMed 30718709 (cited by Labcorp Genetics (formerly Invitae), Labcorp); PubMed 31047384 (cited by Labcorp Genetics (formerly Invitae), Labcorp); PubMed 32467589 (cited by Labcorp Genetics (formerly Invitae), Labcorp); PubMed 26338283 (cited by Labcorp Genetics (formerly Invitae), Labcorp and Laboratory for Molecular Medicine, Mass General Brigham Personalized Medicine).